The following is an entry in ClinVar:

NM_006231.4(POLE):c.1416G>C (p.Lys472Asn)

Gene: POLE (DNA polymerase epsilon, catalytic subunit; minus strand). Cytogenetic location: 12q24.33.
Variant type: single nucleotide variant.
Coding change: c.1416G>C on transcript NM_006231.4 (MANE Select); coding-DNA position 1416, G replaced by C.
Protein change: p.Lys472Asn; replaces lysine 472 with asparagine.
Molecular consequence: missense variant.
Genome position (GRCh38, 1-based): chr12:132,673,221, C>G on the plus strand (G>C on the coding strand, the complement: POLE is on the minus strand). VCF-style: chr12-132673221-C-G. GRCh37 (hg19) VCF-style: chr12-133249807-C-G.
Other names: short protein forms K472N.
Identifiers: ClinVar variation 1804513 (VCV001804513.1), dbSNP rs776977459, ClinGen allele CA387358445.

ClinVar aggregate classification (germline): Uncertain significance (1 of 4 stars; one submission).

Submission:

GeneDx
Classification: Uncertain significance. Last evaluated: 2022-06-17. Review status: criteria provided, single submitter. Criteria: GeneDx Variant Classification Process June 2021. Collection method: clinical testing. Allele origin: germline. Affected: yes.
Comment: Not observed at significant frequency in large population cohorts (gnomAD); In silico analysis supports that this missense variant has a deleterious effect on protein structure/function; Has not been previously published as pathogenic or benign to our knowledge; This variant is associated with the following publications: (PMID: 20951805)